The following is an entry in ClinVar:

ClinVar aggregate classification (germline): Benign (1 of 4 stars; one submission).

Allele frequency attached by ClinVar (database versions not stated): gnomAD exomes 0.52348; gnomAD 0.62622 and 0.63036; TOPMed 0.64034; 1000 Genomes Project 0.74521; 1000 Genomes Project 30x 0.74532.
gnomAD v4.1: 628,067 of 1,166,600 alleles (54%); highest among the groups gnomAD compares: East Asian, 92%; 179,420 homozygotes.

Submission:

GeneDx
Classification: Benign. Last evaluated: 2018-06-16. Review status: criteria provided, single submitter. Criteria: GeneDx Variant Classification (06012015). Collection method: clinical testing. Allele origin: germline. Affected: yes.
Comment: This variant is considered likely benign or benign based on one or more of the following criteria: it is a conservative change, it occurs at a poorly conserved position in the protein, it is predicted to be benign by multiple in silico algorithms, and/or has population frequency not consistent with disease.

NM_017617.5(NOTCH1):c.1441+131A>G

Gene: NOTCH1 (notch receptor 1; minus strand). Cytogenetic location: 9q34.3.
Variant type: single nucleotide variant.
Coding change: c.1441+131A>G on transcript NM_017617.5 (MANE Select); 131 bases into the intron after coding-DNA position 1441, A replaced by G.
Molecular consequence: intron variant.
Genome position (GRCh38, 1-based): chr9:136,517,621, T>C on the plus strand (A>G on the coding strand, the complement: NOTCH1 is on the minus strand). VCF-style: chr9-136517621-T-C. GRCh37 (hg19) VCF-style: chr9-139412073-T-C.
Identifiers: ClinVar variation 678546 (VCV000678546.1), dbSNP rs4077029, ClinGen allele CA13022454.